The following is an entry in ClinVar:

NM_001349999.2(RBFOX2):c.938G>A (p.Gly313Asp)

Gene: RBFOX2 (RNA binding fox-1 homolog 2; minus strand). Cytogenetic location: 22q12.3.
Variant type: single nucleotide variant.
Coding change: c.938G>A on transcript NM_001349999.2 (MANE Select); coding-DNA position 938, G replaced by A.
Protein change: p.Gly313Asp; replaces glycine 313 with aspartic acid.
Molecular consequence: missense variant.
Genome position (GRCh38, 1-based): chr22:35,761,228, C>T on the plus strand (G>A on the coding strand, the complement: RBFOX2 is on the minus strand). VCF-style: chr22-35761228-C-T. GRCh37 (hg19) VCF-style: chr22-36157275-C-T.
Other names: c.725G>A, p.Gly242Asp (NM_001031695.4, NM_001082576.3, NM_001082577.3 and 2 more transcripts); c.938G>A, p.Gly313Asp (NM_001082578.4, NM_001394114.1); c.935G>A, p.Gly312Asp (NM_001082579.3, NM_001394112.1, NM_001394113.1 and 1 more transcripts); c.791G>A, p.Gly264Asp (NM_001349982.2, NM_001349989.2, NM_001349990.2 and 4 more transcripts); c.698G>A, p.Gly233Asp (NM_001349995.2); c.728G>A, p.Gly243Asp (NM_001349997.2, NM_014309.4); c.932G>A, p.Gly311Asp (NM_001394108.1); c.842G>A, p.Gly281Asp (NM_001394109.1, NM_001394110.1, NM_001394111.1); short protein forms G242D, G281D, G311D, G313D, G243D, G233D, G264D, G312D.
Identifiers: ClinVar variation 4981646 (VCV004981646.1).
Genomic context (GRCh38, chr22:35,761,228, plus strand): 5'-CAAAATCCATGCCAGGCCAACATAGGCTACTTACTGATTAAAGGAATGTAAGTGTTGATA[C>T]CCCCTCTTCCTGATAGGGGCACTGCTGCATCATTGCCTAGGGACACATCTGCTTGAAAGC-3'
Protein context (NP_001336928.2, residues 303-323): DAAVPLSGRG[Gly313Asp]INTYIPLIIP

ClinVar aggregate classification (germline): Uncertain significance (1 of 4 stars; one submission).

Conditions:
RBFOX2-related condition.

gnomAD v4.1: 15 of 1,613,848 alleles (0.00093%); highest among the groups gnomAD compares: African/African-American, 0.0013%; no homozygotes.

Submission:

PreventionGenetics, part of Exact Sciences
Classification: Uncertain significance for RBFOX2-related condition. Last evaluated: 2025-12-09. Review status: criteria provided, single submitter. Criteria: ACMG Guidelines, 2015. Collection method: clinical testing. Allele origin: germline.
Comment: The RBFOX2 c.938G>A variant is predicted to result in the amino acid substitution p.Gly313Asp. To our knowledge, this variant has not been reported in the literature. This variant is reported in 0.0018% of alleles in individuals of European (Non-Finnish) descent in gnomAD. At this time, the clinical significance of this variant is uncertain due to the absence of conclusive functional and genetic evidence.